The following is an entry in ClinVar:

NM_006231.4(POLE):c.2310del (p.Leu771fs)

Gene: POLE (DNA polymerase epsilon, catalytic subunit; minus strand). Cytogenetic location: 12q24.33.
Variant type: Deletion.
Coding change: c.2310del on transcript NM_006231.4 (MANE Select); coding-DNA position 2310, one base deleted (G; older notation c.2310delG).
Protein change: p.Leu771fs; shifts the reading frame from leucine 771.
Molecular consequence: frameshift variant.
Genome position (GRCh38, 1-based): chr12:132,667,512, C deleted on the plus strand (G on the coding strand, the reverse complement: POLE is on the minus strand); the first of 3 consecutive C bases (chr12:132,667,512-132,667,514); deleting any one gives the same sequence. VCF-style (leftmost placement, unchanged base first): chr12-132667511-GC-G. GRCh37 (hg19) VCF-style: chr12-133244097-GC-G.
Other names: short protein forms L771fs.
Identifiers: ClinVar variation 1051606 (VCV001051606.9), dbSNP rs2135969239, ClinGen allele CA2499221534.

ClinVar aggregate classification (germline): Pathogenic (1 of 4 stars; one submission).

Submission:

Labcorp Genetics (formerly Invitae), Labcorp
Classification: Pathogenic. Last evaluated: 2022-05-12. Review status: criteria provided, single submitter. Criteria: Invitae Variant Classification Sherloc (09022015). Collection method: clinical testing. Allele origin: germline.
Comment: This sequence change creates a premature translational stop signal (p.Leu771Serfs*21) in the POLE gene. It is expected to result in an absent or disrupted protein product. Loss-of-function variants in POLE are known to be pathogenic (PMID: 23230001, 25948378, 30503519). This variant is not present in population databases (gnomAD no frequency). This variant has not been reported in the literature in individuals affected with POLE-related conditions. ClinVar contains an entry for this variant (Variation ID: 1051606). For these reasons, this variant has been classified as Pathogenic.

Literature cited by the submitters: PubMed 23230001; PubMed 25948378; PubMed 30503519.